The following is an entry in ClinVar:

NM_020312.4(COQ9):c.867+7G>A

Gene: COQ9 (coenzyme Q9; plus strand). Cytogenetic location: 16q21.
Variant type: single nucleotide variant.
Coding change: c.867+7G>A on transcript NM_020312.4 (MANE Select); 7 bases into the intron after coding-DNA position 867, G replaced by A.
Molecular consequence: intron variant.
Genome position (GRCh38, 1-based): chr16:57,459,727, G>A. VCF-style: chr16-57459727-G-A. GRCh37 (hg19) VCF-style: chr16-57493639-G-A.
Identifiers: ClinVar variation 2646557 (VCV002646557.24), dbSNP rs1251079428, ClinGen allele CA622667619.
Genomic context (GRCh38, chr16:57,459,727, plus strand): 5'-TTCCTGGAAAACCGGGTTAATGATGCAATGAACATGGGCCACACTGCCAAGCAGGTAGGT[G>A]GGGACTAGCCATTGGGGAACCCTCTTTAGAAGGCATACCTATTCTCCTCAGGTCACAGCT-3'

ClinVar aggregate classification (germline): Likely benign (1 of 4 stars; one submission).

Allele frequency attached by ClinVar (database versions not stated): gnomAD exomes below 0.00001.

Submission:

CeGaT Center for Human Genetics Tuebingen
Classification: Likely benign. Last evaluated: 2022-12-01. Review status: criteria provided, single submitter. Criteria: CeGaT Center For Human Genetics Tuebingen Variant Classification Criteria Version 2. Collection method: clinical testing. Allele origin: germline. Affected: yes. Observed: 1 variant allele.
Comment: COQ9: BP4